The following is an entry in ClinVar:

ClinVar aggregate classification (germline): Uncertain significance (1 of 4 stars; one submission).

Allele frequency attached by ClinVar (database versions not stated): gnomAD exomes below 0.00001; ExAC 0.00001.
gnomAD v4.1: 2 of 1,613,542 alleles (0.00012%); highest among the groups gnomAD compares: Non-Finnish European, 0.00017%; no homozygotes.

Submission:

Labcorp Genetics (formerly Invitae), Labcorp
Classification: Uncertain significance. Last evaluated: 2021-09-01. Review status: criteria provided, single submitter. Criteria: Invitae Variant Classification Sherloc (09022015). Collection method: clinical testing. Allele origin: germline.
Comment: This sequence change replaces phenylalanine with leucine at codon 470 of the USH2A protein (p.Phe470Leu). The phenylalanine residue is highly conserved and there is a small physicochemical difference between phenylalanine and leucine. This variant is present in population databases (rs772146621, ExAC 0.001%). This variant has not been reported in the literature in individuals affected with USH2A-related conditions. Algorithms developed to predict the effect of missense changes on protein structure and function are either unavailable or do not agree on the potential impact of this missense change (SIFT: "Deleterious"; PolyPhen-2: "Probably Damaging"; Align-GVGD: "Class C15"). In summary, the available evidence is currently insufficient to determine the role of this variant in disease. Therefore, it has been classified as a Variant of Uncertain Significance.

NM_206933.4(USH2A):c.1410C>A (p.Phe470Leu)

Gene: USH2A (usherin; minus strand). Cytogenetic location: 1q41.
Variant type: single nucleotide variant.
Coding change: c.1410C>A on transcript NM_206933.4 (MANE Select); coding-DNA position 1410, C replaced by A.
Protein change: p.Phe470Leu; replaces phenylalanine 470 with leucine.
Molecular consequence: missense variant.
Genome position (GRCh38, 1-based): chr1:216,323,614, G>T on the plus strand (C>A on the coding strand, the complement: USH2A is on the minus strand). VCF-style: chr1-216323614-G-T. GRCh37 (hg19) VCF-style: chr1-216496956-G-T.
Other names: c.1410C>A, p.Phe470Leu (NM_007123.6); short protein forms F470L.
Identifiers: ClinVar variation 1063603 (VCV001063603.6), dbSNP rs772146621, ClinGen allele CA1396526.